The following is an entry in ClinVar:

ClinVar aggregate classification (germline): Conflicting classifications of pathogenicity. Review status: criteria provided, conflicting classifications (1 of 4 stars). 5 submissions from 5 submitters: Uncertain significance (1); Likely benign (4). Last evaluated 2026-08-01.

Conditions:
TH-deficient dopa-responsive dystonia. Also called: DYT-TH; Tyrosine Hydroxylase-Deficient Dopa-Responsive Dystonia; Segawa syndrome, autosomal recessive. Identifiers: Orphanet 101150, MedGen C2673535, MONDO:0011551, OMIM 605407.

Allele frequency attached by ClinVar (database versions not stated): gnomAD exomes 0.00012 and 0.00024; ExAC 0.00014; TOPMed 0.00016; gnomAD 0.00022; ESP Exome Variant Server 0.00023.
gnomAD v4.1: 369 of 1,611,860 alleles (0.023%); highest among the groups gnomAD compares: Middle Eastern, 0.46%; no homozygotes.

Submissions (5):

CeGaT Center for Human Genetics Tuebingen
Classification: Likely benign. Last evaluated: 2026-08-01. Review status: criteria provided, single submitter. Criteria: CeGaT Center For Human Genetics Tuebingen Variant Classification Criteria Version 2. Collection method: clinical testing. Allele origin: germline. Affected: yes. Observed: 8 variant alleles.
Comment: TH: BP4, BP7

Labcorp Genetics (formerly Invitae), Labcorp
Classification: Likely benign for TH-deficient dopa-responsive dystonia. Last evaluated: 2026-01-27. Review status: criteria provided, single submitter. Criteria: Invitae Variant Classification Sherloc (09022015). Collection method: clinical testing. Allele origin: germline.

Blueprint Genetics
Classification: Likely benign. Last evaluated: 2024-11-12. Review status: criteria provided, single submitter. Criteria: ACMG Guidelines, 2015. Collection method: clinical testing. Allele origin: germline.

GeneDx
Classification: Likely benign. Last evaluated: 2021-05-03. Review status: criteria provided, single submitter. Criteria: GeneDx Variant Classification Process June 2021. Collection method: clinical testing. Allele origin: germline. Affected: yes.

Illumina Laboratory Services, Illumina
Classification: Uncertain significance for TH-deficient dopa-responsive dystonia. Last evaluated: 2018-01-13. Review status: criteria provided, single submitter. Criteria: ICSL Variant Classification Criteria 13 December 2019. Collection method: clinical testing. Allele origin: germline.

NM_000360.4(TH):c.12C>T (p.Pro4=)

Gene: TH (tyrosine hydroxylase; minus strand). Cytogenetic location: 11p15.5.
Variant type: single nucleotide variant.
Coding change: c.12C>T on transcript NM_000360.4 (MANE Select); coding-DNA position 12, C replaced by T.
Protein change: p.Pro4=; no amino-acid change (proline 4 retained).
Molecular consequence: synonymous variant.
Genome position (GRCh38, 1-based): chr11:2,171,775, G>A on the plus strand (C>T on the coding strand, the complement: TH is on the minus strand). VCF-style: chr11-2171775-G-A. GRCh37 (hg19) VCF-style: chr11-2193005-G-A.
Other names: c.12C>T, p.Pro4= (NM_199292.3, NM_199293.3).
Identifiers: ClinVar variation 374422 (VCV000374422.60), dbSNP rs147131010, ClinGen allele CA5818894.